The following is an entry in ClinVar:

NM_001267550.2(TTN):c.52853G>A (p.Arg17618His)

Genes: TTN (titin; minus strand), TTN-AS1 (TTN antisense RNA 1; plus strand), LOC126806425 (BRD4-independent group 4 enhancer GRCh37_chr2:179471933-179473132; plus strand). Cytogenetic location: 2q31.2.
Variant type: single nucleotide variant.
Coding change: c.52853G>A on transcript NM_001267550.2 (MANE Select); coding-DNA position 52853, G replaced by A.
Protein change: p.Arg17618His; replaces arginine 17618 with histidine.
Molecular consequence: missense variant.
Genome position (GRCh38, 1-based): chr2:178,607,934, C>T on the plus strand (G>A on the coding strand, the complement: TTN is on the minus strand). VCF-style: chr2-178607934-C-T. GRCh37 (hg19) VCF-style: chr2-179472661-C-T.
Other names: c.45149G>A, p.Arg15050His (NM_133378.4); c.47930G>A, p.Arg15977His (NM_001256850.1); c.25658G>A, p.Arg8553His (NM_003319.4); c.26033G>A, p.Arg8678His (NM_133432.3); c.26234G>A, p.Arg8745His (NM_133437.4); short protein forms R15050H, R17618H, R15977H, R8678H, R8553H, R8745H.
Identifiers: ClinVar variation 229458 (VCV000229458.55), dbSNP rs371538664, ClinGen allele CA1993917.

ClinVar aggregate classification (germline): Conflicting classifications of pathogenicity. Review status: criteria provided, conflicting classifications (1 of 4 stars). 12 submissions from 8 submitters: Uncertain significance (7); Benign (2); Likely benign (3). Last evaluated 2025-05-23.

Conditions:
TTN-related disorder. Also called: TTN-related condition; TTN-related disease; TTN-related disorders.
Cardiovascular phenotype. Identifiers: MedGen CN230736.
Autosomal recessive limb-girdle muscular dystrophy type 2J (LGMDR10). Also called: Limb-girdle muscular dystrophy, type 2J; MUSCULAR DYSTROPHY, LIMB-GIRDLE, AUTOSOMAL RECESSIVE 10. Identifiers: Orphanet 140922, MedGen C1837342, MONDO:0012127, OMIM 608807.
Dilated cardiomyopathy 1G (CMD1G). Identifiers: Orphanet 154, MedGen C1858763, MONDO:0011400, OMIM 604145.
Early-onset myopathy with fatal cardiomyopathy (CMYO5). Also called: CONGENITAL MYOPATHY 5 WITH CARDIOMYOPATHY; Salih Myopathy. Identifiers: Orphanet 289377, MedGen C2673677, MONDO:0012714, OMIM 611705. Disease mechanism: loss of function.
Tibial muscular dystrophy (TMD). Also called: Tibial muscular dystrophy, tardive; UDD MYOPATHY; Udd Distal Myopathy – Tibial Muscular Dystrophy. Identifiers: Orphanet 609, MedGen C1838244, MONDO:0010870, OMIM 600334.
Myopathy, myofibrillar, 9, with early respiratory failure (MFM9). Also called: Hereditary myopathy with early respiratory failure; MYOPATHY, PROXIMAL, WITH EARLY RESPIRATORY MUSCLE INVOLVEMENT; Myopathy, distal, with early respiratory failure, autosomal dominant; EDSTROM MYOPATHY. Identifiers: Orphanet 178464, Orphanet 34521, MedGen C1863599, MONDO:0011362, OMIM 603689.

Allele frequency attached by ClinVar (database versions not stated): gnomAD exomes 0.00013 and 0.00021; ESP Exome Variant Server 0.00016; gnomAD 0.00016; ExAC 0.00019; TOPMed 0.00024.
gnomAD v4.1: 217 of 1,612,800 alleles (0.013%); highest among the groups gnomAD compares: Middle Eastern, 0.049%; 2 homozygotes.

Submissions (12):

PreventionGenetics, part of Exact Sciences
Classification: Likely benign for TTN-related condition. Last evaluated: 2025-05-23. Review status: criteria provided, single submitter. Criteria: ACMG Guidelines, 2015. Collection method: clinical testing. Allele origin: germline.
Comment: This variant is classified as likely benign based on ACMG/AMP sequence variant interpretation guidelines (Richards et al. 2015 PMID: 25741868, with internal and published modifications).

Women's Health and Genetics/Laboratory Corporation of America, LabCorp
Classification: Uncertain significance. Last evaluated: 2025-04-02. Review status: criteria provided, single submitter. Criteria: LabCorp Variant Classification Summary - May 2015. Collection method: clinical testing. Allele origin: germline.
Comment: Variant summary: TTN NM_133378 c.45149G>A (p.Arg15050His) (also known as NM_001267550:c.52853G>A p.Arg17618His) results in a non-conservative amino acid change in the encoded protein sequence. Three of four in-silico tools predict a damaging effect of the variant on protein function. The variant allele was found at a frequency of 0.00021 in 248618 control chromosomes. This frequency is not significantly higher than estimated for a pathogenic variant in TTN causing Autosomal Recessive Titinopathy (0.00021 vs 0.00039), allowing no conclusion about variant significance. c.45149G>A has been reported in the literature in one individual affected with Autosomal dominant hypertrophic cardiomyopathy, co-occurring with a pathogenic missense in MYH7 gene (zhang_2023). These report(s) do not provide unequivocal conclusions about association of the variant with Autosomal Recessive Titinopathy. To our knowledge, no experimental evidence demonstrating an impact on protein function has been reported. The following publication has been ascertained in the context of this evaluation (PMID: 37907184). ClinVar contains an entry for this variant (Variation ID: 229458). Based on the evidence outlined above, the variant was classified as uncertain significance.

CeGaT Center for Human Genetics Tuebingen
Classification: Uncertain significance. Last evaluated: 2024-06-01. Review status: criteria provided, single submitter. Criteria: CeGaT Center For Human Genetics Tuebingen Variant Classification Criteria Version 2. Collection method: clinical testing. Allele origin: germline. Affected: yes. Observed: 2 variant alleles.

GeneDx
Classification: Likely benign. Last evaluated: 2021-04-30. Review status: criteria provided, single submitter. Criteria: GeneDx Variant Classification Process June 2021. Collection method: clinical testing. Allele origin: germline. Affected: yes.

Ambry Genetics
Classification: Likely benign for Cardiovascular phenotype. Last evaluated: 2019-08-26. Review status: criteria provided, single submitter. Criteria: Ambry Variant Classification Scheme 2023. Collection method: clinical testing. Allele origin: germline.

Labcorp Genetics (formerly Invitae), Labcorp
Classification: Uncertain significance for Dilated cardiomyopathy 1G; Autosomal recessive limb-girdle muscular dystrophy type 2J. Last evaluated: 2017-12-15. Review status: criteria provided, single submitter. Criteria: Invitae Variant Classification Sherloc (09022015). Collection method: clinical testing. Allele origin: germline.

Illumina Laboratory Services, Illumina
Classification: Benign for Myopathy, myofibrillar, 9, with early respiratory failure. Last evaluated: 2017-11-07. Review status: criteria provided, single submitter. Criteria: ICSL Variant Classification Criteria 13 December 2019. Collection method: clinical testing. Allele origin: germline.
Comment: This variant was observed as part of a predisposition screen in an ostensibly healthy population. A literature search was performed for the gene, cDNA change, and amino acid change (where applicable). No publications were found based on this search. Allele frequency data from public databases was too high to be consistent with this variant causing disease. Therefore, this variant is classified as benign.

Illumina Laboratory Services, Illumina
Classification: Benign for Tibial muscular dystrophy. Last evaluated: 2017-11-07. Review status: criteria provided, single submitter. Criteria: ICSL Variant Classification Criteria 13 December 2019. Collection method: clinical testing. Allele origin: germline.
Comment: the same text as in the submission from Illumina Laboratory Services, Illumina above.

Illumina Laboratory Services, Illumina
Classification: Uncertain significance for Dilated cardiomyopathy 1G. Last evaluated: 2017-04-27. Review status: criteria provided, single submitter. Criteria: ICSL Variant Classification Criteria 13 December 2019. Collection method: clinical testing. Allele origin: germline.

Illumina Laboratory Services, Illumina
Classification: Uncertain significance for Autosomal recessive limb-girdle muscular dystrophy type 2J. Last evaluated: 2017-04-27. Review status: criteria provided, single submitter. Criteria: ICSL Variant Classification Criteria 13 December 2019. Collection method: clinical testing. Allele origin: germline.

Illumina Laboratory Services, Illumina
Classification: Uncertain significance for Early-onset myopathy with fatal cardiomyopathy. Last evaluated: 2017-04-27. Review status: criteria provided, single submitter. Criteria: ICSL Variant Classification Criteria 13 December 2019. Collection method: clinical testing. Allele origin: germline.

Laboratory for Molecular Medicine, Mass General Brigham Personalized Medicine
Classification: Uncertain significance. Last evaluated: 2015-06-09. Review status: criteria provided, single submitter. Criteria: LMM Criteria. Collection method: clinical testing. Allele origin: germline. Observed: 1 variant allele.
Comment: The p.Arg15050His variant in TTN has not been reported in individuals with cardi omyopathy, but has been identified in 23/66697 European chromosomes by the Exome Aggregation Consortium (ExAC; dbSNP rs371538664 ). Computational prediction tools and conservation analysis suggest that this va riant may impact the protein, though this information is not predictive enough t o determine pathogenicity. In summary, the clinical significance of the p.Arg150 50His variant is uncertain.

Literature cited by the submitters: PubMed 37907184 (cited by Women's Health and Genetics/Laboratory Corporation of America, LabCorp).